The following is an entry in ClinVar:

NM_198252.3(GSN):c.96C>T (p.Thr32=)

Gene: GSN (gelsolin; plus strand). Cytogenetic location: 9q33.2.
Variant type: single nucleotide variant.
Coding change: c.96C>T on transcript NM_198252.3 (MANE Select); coding-DNA position 96, C replaced by T.
Protein change: p.Thr32=; no amino-acid change (threonine 32 retained).
Molecular consequence: synonymous variant. On other transcripts: intron variant (1).
Genome position (GRCh38, 1-based): chr9:121,302,067, C>T. VCF-style: chr9-121302067-C-T. GRCh37 (hg19) VCF-style: chr9-124064345-C-T.
Other names: p.Thr83=; c.249C>T, p.Thr83= (NM_000177.5); c.96C>T, p.Thr32= (NM_001127662.2, NM_001127664.2, NM_001127665.2 and 10 more transcripts); c.204C>T, p.Thr68= (NM_001127663.2); c.129C>T, p.Thr43= (NM_001127666.2, NM_001127667.2, NM_001353063.2 and 13 more transcripts); c.147C>T, p.Thr49= (NM_001258029.2); c.120C>T, p.Thr40= (NM_001258030.2); c.168C>T, p.Thr56= (NM_001353076.2); and 1 more.
Identifiers: ClinVar variation 4683420 (VCV004683420.1).

ClinVar aggregate classification (germline): Likely benign (1 of 4 stars; one submission).

gnomAD v4.1: 6 of 1,614,108 alleles (0.00037%); highest among the groups gnomAD compares: Middle Eastern, 0.016%; no homozygotes.

Submission:

Mayo Clinic Laboratories, Mayo Clinic
Classification: Likely benign. Last evaluated: 2025-10-01. Review status: criteria provided, single submitter. Criteria: ACMG Guidelines, 2015. Collection method: clinical testing. Allele origin: germline. Observed: 1 variant allele.
Comment: BP4, BP7